The following is an entry in ClinVar:

NM_144966.5(FREM1):c.6139del

Gene: FREM1 (FRAS1 related extracellular matrix 1; minus strand). Cytogenetic location: 9p22.3.
Variant type: Deletion.
Coding change: c.6139del on transcript NM_144966.5; coding-DNA position 6139, one base deleted (G; older notation c.6139delG).
Molecular consequence: intron variant (on NM_001370058.2).
Genome position (GRCh38, 1-based): chr9:14,746,468, C deleted on the plus strand (G on the coding strand, the reverse complement: FREM1 is on the minus strand); the first of 2 consecutive C bases (chr9:14,746,468-14,746,469); deleting either gives the same sequence. VCF-style (leftmost placement, unchanged base first): chr9-14746467-TC-T. GRCh37 (hg19) VCF-style: chr9-14746465-TC-T.
Other names: c.1596+455del (NM_001370058.2).
Identifiers: ClinVar variation 2505948 (VCV002505948.1), dbSNP rs1842448817, ClinGen allele CA1835170164.

ClinVar aggregate classification (germline): Pathogenic (1 of 4 stars; one submission).

Submission:

GeneDx
Classification: Pathogenic. Last evaluated: 2022-12-13. Review status: criteria provided, single submitter. Criteria: GeneDx Variant Classification Process June 2021. Collection method: clinical testing. Allele origin: germline. Affected: yes.
Comment: Frameshift variant predicted to result in protein truncation or nonsense mediated decay in a gene for which loss of function is a known mechanism of disease; Not observed at significant frequency in large population cohorts (gnomAD); This variant is associated with the following publications: (PMID: 23401257)